The following is an entry in ClinVar:

ClinVar aggregate classification (germline): Pathogenic. Review status: criteria provided, multiple submitters, no conflicts (2 of 4 stars). 3 submissions from 3 submitters: Pathogenic (2). 1 of the submissions does not count toward it. Last evaluated 2025-08-11.

Conditions:
Idiopathic and/or familial pulmonary arterial hypertension. Identifiers: Orphanet 422, MedGen C5679820, MONDO:0008347.
Pulmonary arterial hypertension. Identifiers: Orphanet 182090, MedGen C2973725, MeSH D000081029, MONDO:0015924, HP:0002092.
Primary pulmonary hypertension. Also called: Idiopathic pulmonary hypertension. Identifiers: MedGen C0152171.

Submissions (3):

Labcorp Genetics (formerly Invitae), Labcorp
Classification: Pathogenic for Primary pulmonary hypertension. Last evaluated: 2025-08-11. Review status: criteria provided, single submitter. Criteria: Invitae Variant Classification Sherloc (09022015). Collection method: clinical testing. Allele origin: germline.
Comment: This sequence change creates a premature translational stop signal (p.Tyr282*) in the BMPR2 gene. It is expected to result in an absent or disrupted protein product. Loss-of-function variants in BMPR2 are known to be pathogenic (PMID: 16429395). This variant is not present in population databases (gnomAD no frequency). This premature translational stop signal has been observed in individual(s) with pulmonary arterial hypertension (PMID: 31727138, 32966279). ClinVar contains an entry for this variant (Variation ID: 212809). For these reasons, this variant has been classified as Pathogenic.

GeneDx
Classification: Pathogenic. Last evaluated: 2014-11-21. Review status: criteria provided, single submitter. Criteria: GeneDx Variant Classification (06012015). Collection method: clinical testing. Allele origin: germline. Affected: yes.
Comment: p.Tyr282Ter (TAT>TAG): c.846 T>G in exon 6 of the BMPR2 gene (NM_001204.6). The Y282X mutation in the BMPR2 gene has not been reported as a disease-causing mutation or as a benign polymorphism to our knowledge. Y282X is predicted to cause loss of normal protein function either by protein truncation or nonsense-mediated mRNA decay. Many other nonsense mutations in the BMPR2 gene have been reported in association with PAH. In summary, Y282X in the BMPR2 gene is interpreted as a disease-causing mutation. This variant was found in PAH-ARRHYTHMIA

Wendy Chung Laboratory, Boston Children's Hospital
No classification provided. Condition: Idiopathic and/or familial pulmonary arterial hypertension. Review status: no classification provided. Collection method: literature only. Allele origin: germline. Affected: yes. Not counted in ClinVar's aggregate classification.

Literature cited by the submitters: PubMed 16429395 (cited by Labcorp Genetics (formerly Invitae), Labcorp); PubMed 31727138 (cited by Labcorp Genetics (formerly Invitae), Labcorp and Wendy Chung Laboratory, Boston Children's Hospital); PubMed 32966279 (cited by Labcorp Genetics (formerly Invitae), Labcorp).

NM_001204.7(BMPR2):c.846T>G (p.Tyr282Ter)

Gene: BMPR2 (bone morphogenetic protein receptor type 2; plus strand). Cytogenetic location: 2q33.2.
Variant type: single nucleotide variant.
Coding change: c.846T>G on transcript NM_001204.7 (MANE Select); coding-DNA position 846, T replaced by G.
Protein change: p.Tyr282Ter; replaces tyrosine 282 with a stop codon.
Molecular consequence: nonsense.
Genome position (GRCh38, 1-based): chr2:202,519,046, T>G. VCF-style: chr2-202519046-T-G. GRCh37 (hg19) VCF-style: chr2-203383769-T-G.
Other names: p.Y282*:TAT>TAG; c.846T>G (LRG_712t1); short protein forms Y282*.
Identifiers: ClinVar variation 212809 (VCV000212809.6), dbSNP rs863223419, ClinGen allele CA324555.